The following is an entry in ClinVar:

ClinVar aggregate classification (germline): Likely pathogenic (1 of 4 stars; one submission).

Conditions:
Renal hypomagnesemia 5 with ocular involvement. Also called: HYPOMAGNESEMIA 5, RENAL, WITH OR WITHOUT OCULAR INVOLVEMENT; FHHNC WITH SEVERE OCULAR INVOLVEMENT; HYPOMAGNESEMIA, FAMILIAL, WITH HYPERCALCIURIA, NEPHROCALCINOSIS, AND SEVERE OCULAR INVOLVEMENT; MACULAR COLOBOMA, BILATERAL, WITH HYPERCALCIURIA. Identifiers: Orphanet 2196, MedGen C4721891, MONDO:0009548, OMIM 248190.

Allele frequency attached by ClinVar (database versions not stated): gnomAD 0.00001.
gnomAD v4.1: 7 of 1,612,648 alleles (0.00043%); highest among the groups gnomAD compares: Non-Finnish European, 0.000085%; no homozygotes.

Submission:

MVZ Medizinische Genetik Mainz
Classification: Likely pathogenic for Renal hypomagnesemia 5 with ocular involvement. Last evaluated: 2022-08-30. Review status: criteria provided, single submitter. Criteria: UK Practice Guidelines For Variant Classification V4 01 2020. Collection method: clinical testing. Allele origin: germline. Inheritance: Autosomal recessive inheritance. Affected: yes. Observed: 1 variant allele.
Comment: ACMG Criteria: PVS1, PM2_SUP (ACMG Version 4)

NM_148960.3(CLDN19):c.162C>A (p.Cys54Ter)

Gene: CLDN19 (claudin 19; minus strand). Cytogenetic location: 1p34.2.
Variant type: single nucleotide variant.
Coding change: c.162C>A on transcript NM_148960.3 (MANE Select); coding-DNA position 162, C replaced by A.
Protein change: p.Cys54Ter; replaces cysteine 54 with a stop codon.
Molecular consequence: nonsense.
Genome position (GRCh38, 1-based): chr1:42,739,902, G>T on the plus strand (C>A on the coding strand, the complement: CLDN19 is on the minus strand). VCF-style: chr1-42739902-G-T. GRCh37 (hg19) VCF-style: chr1-43205573-G-T.
Other names: c.162C>A, p.Cys54Ter (NM_001123395.2, NM_001185117.2); short protein forms C54*.
Identifiers: ClinVar variation 3068324 (VCV003068324.1), dbSNP rs1303732063, ClinGen allele CA339947308.